The following is an entry in ClinVar:

ClinVar aggregate classification (germline): Uncertain significance (1 of 4 stars; one submission).

Conditions:
Cardiovascular phenotype. Identifiers: MedGen CN230736.

gnomAD v4.1: 21 of 1,613,420 alleles (0.0013%); highest among the groups gnomAD compares: East Asian, 0.011%; no homozygotes.

Submission:

Ambry Genetics
Classification: Uncertain significance for Cardiovascular phenotype. Last evaluated: 2022-09-05. Review status: criteria provided, single submitter. Criteria: Ambry Variant Classification Scheme 2023. Collection method: clinical testing. Allele origin: germline.
Comment: The p.F280L variant (also known as c.838T>C), located in coding exon 6 of the LMF1 gene, results from a T to C substitution at nucleotide position 838. The phenylalanine at codon 280 is replaced by leucine, an amino acid with highly similar properties. This amino acid position is conserved. In addition, this alteration is predicted to be tolerated by in silico analysis. Since supporting evidence is limited at this time, the clinical significance of this alteration remains unclear.

NM_022773.4(LMF1):c.838T>C (p.Phe280Leu)

Gene: LMF1 (lipase maturation factor 1; minus strand). Cytogenetic location: 16p13.3.
Variant type: single nucleotide variant.
Coding change: c.838T>C on transcript NM_022773.4 (MANE Select); coding-DNA position 838, T replaced by C.
Protein change: p.Phe280Leu; replaces phenylalanine 280 with leucine.
Molecular consequence: missense variant. On other transcripts: non-coding transcript variant (1).
Genome position (GRCh38, 1-based): chr16:879,629, A>G on the plus strand (T>C on the coding strand, the complement: LMF1 is on the minus strand). VCF-style: chr16-879629-A-G. GRCh37 (hg19) VCF-style: chr16-929629-A-G.
Other names: c.187T>C, p.Phe63Leu (NM_001352017.2, NM_001352021.2); c.439T>C, p.Phe147Leu (NM_001352018.2); c.511T>C, p.Phe171Leu (NM_001352019.2); c.838T>C, p.Phe280Leu (NM_001352020.1); short protein forms F147L, F63L, F171L, F280L.
Identifiers: ClinVar variation 1763191 (VCV001763191.2), dbSNP rs372333537, ClinGen allele CA7797348.